The following is an entry in ClinVar:

NM_000374.5(UROD):c.186dup (p.Glu63Ter)

Gene: UROD (uroporphyrinogen decarboxylase; plus strand). Cytogenetic location: 1p34.1.
Variant type: Duplication.
Coding change: c.186dup on transcript NM_000374.5 (MANE Select); coding-DNA position 186, one base duplicated (T; older notation c.186dupT).
Protein change: p.Glu63Ter; replaces glutamic acid 63 with a stop codon.
Molecular consequence: nonsense. On other transcripts: non-coding transcript variant (3).
Genome position (GRCh38, 1-based): chr1:45,013,188, T duplicated. VCF-style (leftmost placement, unchanged base first): chr1-45013187-C-CT. GRCh37 (hg19) VCF-style: chr1-45478859-C-CT.
Other names: short protein forms E63*.
Identifiers: ClinVar variation 3370430 (VCV003370430.3).

ClinVar aggregate classification (germline): Pathogenic. Review status: criteria provided, single submitter (1 of 4 stars). 2 submissions from 2 submitters: Pathogenic (1). 1 of the submissions does not count toward it. Last evaluated 2024-10-05.

Conditions:
Familial porphyria cutanea tarda (PCT). Also called: PCT, TYPE II; PORPHYRIA CUTANEA TARDA, TYPE II; PORPHYRIA, HEPATOCUTANEOUS TYPE; UROD DEFICIENCY; UROPORPHYRINOGEN DECARBOXYLASE DEFICIENCY; PCT, ''FAMILIAL'' TYPE. Identifiers: Orphanet 101330, Orphanet 443062, MedGen C0268323, MONDO:0008296, OMIM 176100.

Submissions (2):

Labcorp Genetics (formerly Invitae), Labcorp
Classification: Pathogenic. Last evaluated: 2024-10-05. Review status: criteria provided, single submitter. Criteria: Invitae Variant Classification Sherloc (09022015). Collection method: clinical testing. Allele origin: germline.
Comment: This sequence change creates a premature translational stop signal (p.Glu63*) in the UROD gene. It is expected to result in an absent or disrupted protein product. Loss-of-function variants in UROD are known to be pathogenic (PMID: 1634232, 17240319, 19233912, 19419417, 23545314). This variant is not present in population databases (gnomAD no frequency). This premature translational stop signal has been observed in individual(s) with porphyria cutanea tarda (PMID: 30514647). Algorithms developed to predict the effect of sequence changes on RNA splicing suggest that this variant may disrupt the consensus splice site. For these reasons, this variant has been classified as Pathogenic.

Department of Genetics, Suzhou Beikang Medical Laboratory
Classification: Likely pathogenic for Familial porphyria cutanea tarda. Last evaluated: 2024-10-31. Review status: no assertion criteria provided. Collection method: clinical testing. Allele origin: germline. Affected: no. Not counted in ClinVar's aggregate classification.
Comment: In summary, the currently available evidence indicates that the variant is pathogenic, but additional data are needed to prove that conclusively. For these reasons, this variant has been classified as Likely Pathogenic.This sequence change creates a premature translational stop signal (p.Glu63*) in the UROD gene. It is expected to result in an absent or disrupted protein product. Loss-of-function variants in UROD are known to be pathogenic (PMID: 1634232, 17240319, 19233912, 19419417). This variant is not present in population databases (gnomAD no frequency). This variant has not been reported in the literature in individuals affected with UROD-related conditions.

Literature cited by the submitters: PubMed 1634232 (cited by Labcorp Genetics (formerly Invitae), Labcorp); PubMed 17240319 (cited by Labcorp Genetics (formerly Invitae), Labcorp); PubMed 19233912 (cited by Labcorp Genetics (formerly Invitae), Labcorp); PubMed 19419417 (cited by Labcorp Genetics (formerly Invitae), Labcorp); PubMed 23545314 (cited by Labcorp Genetics (formerly Invitae), Labcorp); PubMed 30514647 (cited by Labcorp Genetics (formerly Invitae), Labcorp).